The following is an entry in ClinVar:

ClinVar aggregate classification (germline): Uncertain significance (1 of 4 stars; one submission).

gnomAD v4.1: 39 of 1,613,794 alleles (0.0024%); highest among the groups gnomAD compares: Non-Finnish European, 0.0017%; no homozygotes.

Submission:

Labcorp Genetics (formerly Invitae), Labcorp
Classification: Uncertain significance. Last evaluated: 2023-06-29. Review status: criteria provided, single submitter. Criteria: Invitae Variant Classification Sherloc (09022015). Collection method: clinical testing. Allele origin: germline.
Comment: This sequence change replaces aspartic acid, which is acidic and polar, with glycine, which is neutral and non-polar, at codon 179 of the RPS6KC1 protein (p.Asp179Gly). This variant is present in population databases (rs367564641, gnomAD 0.05%). This variant has not been reported in the literature in individuals affected with RPS6KC1-related conditions. ClinVar contains an entry for this variant (Variation ID: 2083089). An algorithm developed to predict the effect of missense changes on protein structure and function (PolyPhen-2) suggests that this variant is likely to be disruptive. In summary, the available evidence is currently insufficient to determine the role of this variant in disease. Therefore, it has been classified as a Variant of Uncertain Significance.

NM_012424.6(RPS6KC1):c.536A>G (p.Asp179Gly)

Gene: RPS6KC1 (ribosomal protein S6 kinase C1; plus strand). Cytogenetic location: 1q32.3.
Variant type: single nucleotide variant.
Coding change: c.536A>G on transcript NM_012424.6 (MANE Select); coding-DNA position 536, A replaced by G.
Protein change: p.Asp179Gly; replaces aspartic acid 179 with glycine.
Molecular consequence: missense variant. On other transcripts: 5 prime UTR variant (23), non-coding transcript variant (3), intron variant (5).
Genome position (GRCh38, 1-based): chr1:213,129,590, A>G. VCF-style: chr1-213129590-A-G. GRCh37 (hg19) VCF-style: chr1-213302933-A-G.
Other names: c.500A>G, p.Asp167Gly (NM_001136138.4); c.-8A>G (NM_001287218.3, NM_001287219.3, NM_001287221.3 and 7 more transcripts); c.-679A>G (NM_001287220.3, NM_001349666.2, NM_001349667.2 and 4 more transcripts); c.536A>G, p.Asp179Gly (NM_001349646.2); c.-752A>G (NM_001349659.2); c.-672A>G (NM_001349660.2, NM_001349661.2, NM_001349662.2); c.-586A>G (NM_001349664.2, NM_001349670.2); c.-57+12180A>G (NM_001349658.2); and 4 more; short protein forms D167G, D179G.
Identifiers: ClinVar variation 2083089 (VCV002083089.4), dbSNP rs367564641, ClinGen allele CA1387201.